The following is an entry in ClinVar:

NC_012920.1(MT-CO3):m.9802T>C

Gene: MT-CO3 (mitochondrially encoded cytochrome c oxidase III; plus strand).
Variant type: single nucleotide variant.
Genome position: chrM-9802-T-C.
Identifiers: ClinVar variation 693228 (VCV000693228.1), dbSNP rs1603222502, ClinGen allele CA414803746.

ClinVar aggregate classification (germline): Uncertain significance (1 of 4 stars; one submission).

Conditions:
Leigh syndrome (NULS). Also called: Leigh's necrotizing encephalopathy; Leigh's disease; Leigh Syndrome (mtDNA deletion); Leigh Disease; Subacute necrotizing encephalopathy; Necrotizing encephalopathy infantile subacute of Leigh. Identifiers: Orphanet 506, MedGen C2931891, MONDO:0009723, OMIM 256000.

Submission:

Wong Mito Lab, Molecular and Human Genetics, Baylor College of Medicine
Classification: Uncertain significance for Leigh syndrome. Last evaluated: 2019-10-17. Review status: criteria provided, single submitter. Criteria: Modified ACMG Guidelines (Unpublished). Collection method: clinical testing. Allele origin: germline.
Comment: The NC_012920.1:m.9802T>C (YP_003024032.1:p.Val199Ala) variant in MTCO3 gene is interpretated to be a Uncertain Significance variant based on the modified ACMG guidelines (unpublished). This variant meets the following evidence codes: PP6, BP4